The following is an entry in ClinVar:

NM_000138.5(FBN1):c.590G>A (p.Gly197Glu)

Gene: FBN1 (fibrillin 1; minus strand). Cytogenetic location: 15q21.1.
Variant type: single nucleotide variant.
Coding change: c.590G>A on transcript NM_000138.5 (MANE Select); coding-DNA position 590, G replaced by A.
Protein change: p.Gly197Glu; replaces glycine 197 with glutamic acid.
Molecular consequence: missense variant.
Genome position (GRCh38, 1-based): chr15:48,537,757, C>T on the plus strand (G>A on the coding strand, the complement: FBN1 is on the minus strand). VCF-style: chr15-48537757-C-T. GRCh37 (hg19) VCF-style: chr15-48829954-C-T.
Other names: short protein forms G197E.
Identifiers: ClinVar variation 923800 (VCV000923800.17), dbSNP rs895824095, ClinGen allele CA270013604.

ClinVar aggregate classification (germline): Uncertain significance. Review status: criteria provided, multiple submitters, no conflicts (2 of 4 stars). 7 submissions from 7 submitters: Uncertain significance (7). Last evaluated 2025-07-02.

Conditions:
Marfan syndrome (MFS). Also called: Marfan syndrome, classic; Marfan syndrome type 1; Marfan's syndrome; FBN1-Related Marfan Syndrome; MARFAN SYNDROME, TYPE I. Identifiers: Orphanet 284963, Orphanet 558, MedGen C0024796, MONDO:0007947, OMIM 154700.
Familial thoracic aortic aneurysm and aortic dissection (TAAD). Also called: Thoracic aortic aneurysms and dissections. Identifiers: Orphanet 91387, MedGen C4707243, MONDO:0019625.
Weill-Marchesani syndrome 2, dominant. Also called: FBN1-Related Weill-Marchesani Syndrome; Weill-Marchesani Syndrome, Autosomal Dominant. Identifiers: Orphanet 2084, MedGen C1869115, MONDO:0012013, OMIM 608328.

Allele frequency attached by ClinVar (database versions not stated): gnomAD 0.00001; gnomAD exomes 0.00004 and 0.00001; TOPMed 0.00001.
gnomAD v4.1: 66 of 1,614,042 alleles (0.0041%); highest among the groups gnomAD compares: Non-Finnish European, 0.0055%; no homozygotes.

Submissions (7):

Color Diagnostics, LLC DBA Color Health
Classification: Uncertain significance for Familial thoracic aortic aneurysm and aortic dissection. Last evaluated: 2025-07-02. Review status: criteria provided, single submitter. Criteria: ACMG Guidelines, 2015. Collection method: clinical testing. Allele origin: germline.
Comment: This missense variant replaces glycine with glutamic acid at codon 197 of the FBN1 protein. Computational prediction suggests that this variant may have a deleterious impact on protein structure and function. To our knowledge, functional studies have not been reported for this variant. This variant has not been reported in individuals affected with FBN1-related disorders in the literature. This variant has been identified in 2/251454 chromosomes in the general population by the Genome Aggregation Database (gnomAD). The available evidence is insufficient to determine the role of this variant in disease conclusively. Therefore, this variant is classified as a Variant of Uncertain Significance.

Labcorp Genetics (formerly Invitae), Labcorp
Classification: Uncertain significance for Marfan syndrome; Familial thoracic aortic aneurysm and aortic dissection. Last evaluated: 2025-01-20. Review status: criteria provided, single submitter. Criteria: Invitae Variant Classification Sherloc (09022015). Collection method: clinical testing. Allele origin: germline.
Comment: This sequence change replaces glycine, which is neutral and non-polar, with glutamic acid, which is acidic and polar, at codon 197 of the FBN1 protein (p.Gly197Glu). This variant is present in population databases (no rsID available, gnomAD 0.002%). This variant has not been reported in the literature in individuals affected with FBN1-related conditions. ClinVar contains an entry for this variant (Variation ID: 923800). Invitae Evidence Modeling of protein sequence and biophysical properties (such as structural, functional, and spatial information, amino acid conservation, physicochemical variation, residue mobility, and thermodynamic stability) indicates that this missense variant is expected to disrupt FBN1 protein function with a positive predictive value of 95%. In summary, the available evidence is currently insufficient to determine the role of this variant in disease. Therefore, it has been classified as a Variant of Uncertain Significance.

All of Us Research Program, National Institutes of Health
Classification: Uncertain significance for Marfan syndrome. Last evaluated: 2024-04-10. Review status: criteria provided, single submitter. Criteria: ACMG Guidelines, 2015. Collection method: clinical testing. Allele origin: germline. Inheritance: Autosomal dominant inheritance. Observed: 7 variant alleles, 7 heterozygotes.
Comment: This missense variant replaces glycine with glutamic acid at codon 197 of the FBN1 protein. Computational prediction suggests that this variant may have deleterious impact on protein structure and function (internally defined REVEL score threshold >= 0.7, PMID: 27666373). Splice site prediction tools suggest that this variant may not impact RNA splicing. To our knowledge, functional studies have not been performed for this variant. This variant has not been reported in individuals affected with cardiovascular disorders in the literature. This variant has been identified in 2/251454 chromosomes in the general population by the Genome Aggregation Database (gnomAD). The available evidence is insufficient to determine the role of this variant in disease conclusively. Therefore, this variant is classified as a Variant of Uncertain Significance.

This study involves interpretation of variants in research participants for the purpose of population health screening. Participant phenotype was not available at the time of variant classification. Additional details can be found in publication PMID: 35346344, PMCID: PMC8962531

Pittsburgh Clinical Genomics Laboratory, University of Pittsburgh Medical Center
Classification: Uncertain significance for Weill-Marchesani syndrome 2, dominant. Last evaluated: 2023-09-12. Review status: criteria provided, single submitter. Criteria: ACMG Guidelines, 2015. Collection method: clinical testing. Allele origin: germline. Inheritance: Autosomal dominant inheritance. Affected: yes.
Comment: This sequence variant is a single nucleotide substitution (G>A) at position 590 of the coding sequence of the FBN1 gene that results in a glycine to glutamic acid amino acid change at residue 197 of the fibrillin 1 protein. This residue falls in the N termil domain (Uniprot) which is responsible for the interaction of fibrillin 1 with many proteins involved in microfibril assembly or growth factor regulation (PMID: 30016650). This is a previously reported variant (ClinVar 923800) that has not been observed in individuals affected by FBN1-related disorder in the published literature, to our knowledge. This variant is present in 2 of 251454 alleles (0.0008%) in the gnomAD population dataset. Multiple bioinformatic tools predict that this glycine to glutamic acid amino acid change would be damaging, and the glycine residue at this position is highly conserved across the vertebrate species examined. Studies examining the functiol consequence of this variant have not been published, to our knowledge. At this time, there is insufficient evidence to determine if this variant is pathogenic or benign. Therefore, we consider this a variant of uncertain significance. ACMG Criteria: PM2, PP2, PP3

Blueprint Genetics
Classification: Uncertain significance. Last evaluated: 2023-07-05. Review status: criteria provided, single submitter. Criteria: ACMG Guidelines, 2015. Collection method: clinical testing. Allele origin: germline.

Ambry Genetics
Classification: Uncertain significance for Familial thoracic aortic aneurysm and aortic dissection. Last evaluated: 2023-05-17. Review status: criteria provided, single submitter. Criteria: Ambry Variant Classification Scheme 2023. Collection method: clinical testing. Allele origin: germline.
Comment: The p.G197E variant (also known as c.590G>A), located in coding exon 6 of the FBN1 gene, results from a G to A substitution at nucleotide position 590. The glycine at codon 197 is replaced by glutamic acid, an amino acid with similar properties. This amino acid position is highly conserved in available vertebrate species. In addition, this alteration is predicted to be deleterious by in silico analysis. Since supporting evidence is limited at this time, the clinical significance of this alteration remains unclear.

GeneDx
Classification: Uncertain significance. Last evaluated: 2022-10-05. Review status: criteria provided, single submitter. Criteria: GeneDx Variant Classification Process June 2021. Collection method: clinical testing. Allele origin: germline. Affected: yes.
Comment: Has not been previously published as pathogenic or benign to our knowledge; Not observed at a significant frequency in large population cohorts (gnomAD); In silico analysis supports that this missense variant has a deleterious effect on protein structure/function; Does not affect a cysteine residue within a calcium-binding EGF-like domain of the FBN1 gene; cysteine substitutions in the calcium-binding EGF-like domains represent the majority of pathogenic missense changes associated with FBN1-related disorders (Collod-Beroud et al., 2003); This variant is associated with the following publications: (PMID: 12938084)

Literature cited by the submitters: PubMed 30016650 (cited by Pittsburgh Clinical Genomics Laboratory, University of Pittsburgh Medical Center).